The following is an entry in ClinVar:

NM_052844.4(DYNC2I2):c.436-3C>T

Gene: DYNC2I2 (dynein 2 intermediate chain 2; minus strand). Cytogenetic location: 9q34.11.
Variant type: single nucleotide variant.
Coding change: c.436-3C>T on transcript NM_052844.4 (MANE Select); 3 bases into the intron before coding-DNA position 436, C replaced by T.
Molecular consequence: intron variant.
Genome position (GRCh38, 1-based): chr9:128,637,030, G>A on the plus strand (C>T on the coding strand, the complement: DYNC2I2 is on the minus strand). VCF-style: chr9-128637030-G-A. GRCh37 (hg19) VCF-style: chr9-131399309-G-A.
Identifiers: ClinVar variation 2092932 (VCV002092932.4), dbSNP rs1860428330, ClinGen allele CA1880373941.

ClinVar aggregate classification (germline): Uncertain significance (1 of 4 stars; one submission).

Conditions:
Short-rib thoracic dysplasia 11 with or without polydactyly (SRTD11). Also called: SHORT-RIB THORACIC DYSPLASIA 11 WITHOUT POLYDACTYLY. Identifiers: Orphanet 474, Orphanet 93271, MedGen C3810200, MONDO:0014287, OMIM 615633.

Allele frequency attached by ClinVar (database versions not stated): TOPMed below 0.00001.

Submission:

Labcorp Genetics (formerly Invitae), Labcorp
Classification: Uncertain significance for Short-rib thoracic dysplasia 11 with or without polydactyly. Last evaluated: 2022-03-07. Review status: criteria provided, single submitter. Criteria: Invitae Variant Classification Sherloc (09022015). Collection method: clinical testing. Allele origin: germline.
Comment: In summary, the available evidence is currently insufficient to determine the role of this variant in disease. Therefore, it has been classified as a Variant of Uncertain Significance. Variants that disrupt the consensus splice site are a relatively common cause of aberrant splicing (PMID: 17576681, 9536098). Algorithms developed to predict the effect of sequence changes on RNA splicing suggest that this variant is not likely to affect RNA splicing. This variant has not been reported in the literature in individuals affected with WDR34-related conditions. This variant is not present in population databases (gnomAD no frequency). This sequence change falls in intron 2 of the WDR34 gene. It does not directly change the encoded amino acid sequence of the WDR34 protein. It affects a nucleotide within the consensus splice site.

Literature cited by the submitters: PubMed 17576681; PubMed 9536098.